The following is an entry in ClinVar:

ClinVar aggregate classification (germline): Uncertain significance (1 of 4 stars; one submission).

Conditions:
Benign neonatal seizures. Also called: Benign familial neonatal seizures; Benign familial neonatal epilepsy; Benign neonatal familial convulsions; Convulsions benign familial neonatal dominant form; Autosomal dominant form of benign neonatal seizures. Identifiers: Orphanet 1949, MedGen C0220669, MONDO:0016027.

Allele frequency attached by ClinVar (database versions not stated): TOPMed below 0.00001; gnomAD 0.00001.
gnomAD v4.1: 3 of 1,614,018 alleles (0.00019%); highest among the groups gnomAD compares: Non-Finnish European, 0.00025%; no homozygotes.

Submission:

Labcorp Genetics (formerly Invitae), Labcorp
Classification: Uncertain significance for Benign neonatal seizures. Last evaluated: 2022-11-15. Review status: criteria provided, single submitter. Criteria: Invitae Variant Classification Sherloc (09022015). Collection method: clinical testing. Allele origin: germline.
Comment: This sequence change replaces valine, which is neutral and non-polar, with leucine, which is neutral and non-polar, at codon 652 of the KCNQ3 protein (p.Val652Leu). This variant is not present in population databases (gnomAD no frequency). This variant has not been reported in the literature in individuals affected with KCNQ3-related conditions. ClinVar contains an entry for this variant (Variation ID: 1400629). Advanced modeling of protein sequence and biophysical properties (such as structural, functional, and spatial information, amino acid conservation, physicochemical variation, residue mobility, and thermodynamic stability) performed at Invitae indicates that this missense variant is not expected to disrupt KCNQ3 protein function. In summary, the available evidence is currently insufficient to determine the role of this variant in disease. Therefore, it has been classified as a Variant of Uncertain Significance.

NM_004519.4(KCNQ3):c.1954G>C (p.Val652Leu)

Gene: KCNQ3 (potassium voltage-gated channel subfamily Q member 3; minus strand). Cytogenetic location: 8q24.22.
Variant type: single nucleotide variant.
Coding change: c.1954G>C on transcript NM_004519.4 (MANE Select); coding-DNA position 1954, G replaced by C.
Protein change: p.Val652Leu; replaces valine 652 with leucine.
Molecular consequence: missense variant.
Genome position (GRCh38, 1-based): chr8:132,129,927, C>G on the plus strand (G>C on the coding strand, the complement: KCNQ3 is on the minus strand). VCF-style: chr8-132129927-C-G. GRCh37 (hg19) VCF-style: chr8-133142174-C-G.
Other names: c.1594G>C, p.Val532Leu (NM_001204824.2); short protein forms V652L, V532L.
Identifiers: ClinVar variation 1400629 (VCV001400629.8), dbSNP rs1488002666, ClinGen allele CA372217258.